The following is an entry in ClinVar:

ClinVar aggregate classification (germline): Uncertain significance (1 of 4 stars; one submission).

Conditions:
Early-infantile DEE. Also called: Early infantile epileptic encephalopathy; Ohtahara syndrome; Early infantile epileptic encephalopathy with suppression bursts. Identifiers: Orphanet 1934, MedGen C0393706, MONDO:0800491.

gnomAD v4.1: 1 of 1,612,622 alleles (0.000062%); highest among the groups gnomAD compares: Non-Finnish European, 0.000085%; no homozygotes.

Submission:

Labcorp Genetics (formerly Invitae), Labcorp
Classification: Uncertain significance for Early-infantile DEE. Last evaluated: 2025-09-10. Review status: criteria provided, single submitter. Criteria: Invitae Variant Classification Sherloc (09022015). Collection method: clinical testing. Allele origin: germline.
Comment: This sequence change replaces alanine, which is neutral and non-polar, with glutamic acid, which is acidic and polar, at codon 822 of the KCNQ2 protein (p.Ala822Glu). This variant is present in population databases (no rsID available, gnomAD 0.0009%). This variant has not been reported in the literature in individuals affected with KCNQ2-related conditions. Invitae Evidence Modeling of protein sequence and biophysical properties (such as structural, functional, and spatial information, amino acid conservation, physicochemical variation, residue mobility, and thermodynamic stability) indicates that this missense variant is not expected to disrupt KCNQ2 protein function with a negative predictive value of 95%. In summary, the available evidence is currently insufficient to determine the role of this variant in disease. Therefore, it has been classified as a Variant of Uncertain Significance.

NM_172107.4(KCNQ2):c.2465C>A (p.Ala822Glu)

Gene: KCNQ2 (potassium voltage-gated channel subfamily Q member 2; minus strand). Cytogenetic location: 20q13.33.
Variant type: single nucleotide variant.
Coding change: c.2465C>A on transcript NM_172107.4 (MANE Select); coding-DNA position 2465, C replaced by A.
Protein change: p.Ala822Glu; replaces alanine 822 with glutamic acid.
Molecular consequence: missense variant.
Genome position (GRCh38, 1-based): chr20:63,406,798, G>T on the plus strand (C>A on the coding strand, the complement: KCNQ2 is on the minus strand). VCF-style: chr20-63406798-G-T. GRCh37 (hg19) VCF-style: chr20-62038151-G-T.
Other names: c.2519C>A, p.Ala840Glu (NM_001382235.1); c.2408C>A, p.Ala803Glu (NM_001439003.1); c.2378C>A, p.Ala793Glu (NM_001439004.1); c.2381C>A, p.Ala794Glu (NM_004518.6); c.2411C>A, p.Ala804Glu (NM_172106.3); c.2372C>A, p.Ala791Glu (NM_172108.5); short protein forms A804E, A803E, A840E, A793E, A794E, A822E, A791E.
Identifiers: ClinVar variation 4695253 (VCV004695253.1).